The following is an entry in ClinVar:

ClinVar aggregate classification (germline): Likely benign (1 of 4 stars; one submission).

gnomAD v4.1: 16 of 1,614,094 alleles (0.00099%); highest among the groups gnomAD compares: South Asian, 0.0022%; no homozygotes.

Submission:

CeGaT Center for Human Genetics Tuebingen
Classification: Likely benign. Last evaluated: 2026-03-01. Review status: criteria provided, single submitter. Criteria: CeGaT Center For Human Genetics Tuebingen Variant Classification Criteria Version 2. Collection method: clinical testing. Allele origin: germline. Affected: yes. Observed: 1 variant allele.
Comment: CCR1: BP4

NM_001295.3(CCR1):c.657C>T (p.Tyr219=)

Gene: CCR1 (C-C motif chemokine receptor 1; minus strand). Cytogenetic location: 3p21.31.
Variant type: single nucleotide variant.
Coding change: c.657C>T on transcript NM_001295.3 (MANE Select); coding-DNA position 657, C replaced by T.
Protein change: p.Tyr219=; no amino-acid change (tyrosine 219 retained).
Molecular consequence: synonymous variant.
Genome position (GRCh38, 1-based): chr3:46,203,657, G>A on the plus strand (C>T on the coding strand, the complement: CCR1 is on the minus strand). VCF-style: chr3-46203657-G-A. GRCh37 (hg19) VCF-style: chr3-46245148-G-A.
Identifiers: ClinVar variation 4821673 (VCV004821673.4).